The following is an entry in ClinVar:

ClinVar aggregate classification (germline): Likely benign. Review status: criteria provided, multiple submitters, no conflicts (2 of 4 stars). 4 submissions from 4 submitters: Likely benign (3). 1 of the submissions does not count toward it. Last evaluated 2025-12-19.

Conditions:
RYR1-related disorder. Also called: RYR1-related condition; RYR1-related disorders. Identifiers: MedGen CN239331.

Allele frequency attached by ClinVar (database versions not stated): ExAC 0.00003; gnomAD 0.00003 and 0.00004; gnomAD exomes 0.00003; TOPMed 0.00003.
gnomAD v4.1: 46 of 1,598,952 alleles (0.0029%); highest among the groups gnomAD compares: Middle Eastern, 0.018%; no homozygotes.

Submissions (4):

Labcorp Genetics (formerly Invitae), Labcorp
Classification: Likely benign for RYR1-related disorder. Last evaluated: 2025-12-19. Review status: criteria provided, single submitter. Criteria: Invitae Variant Classification Sherloc (09022015). Collection method: clinical testing. Allele origin: germline.

Blueprint Genetics
Classification: Likely benign. Last evaluated: 2023-11-21. Review status: criteria provided, single submitter. Criteria: ACMG Guidelines, 2015. Collection method: clinical testing. Allele origin: germline.

GeneDx
Classification: Likely benign. Last evaluated: 2017-10-31. Review status: criteria provided, single submitter. Criteria: GeneDx Variant Classification (06012015). Collection method: clinical testing. Allele origin: germline. Affected: yes.
Comment: This variant is considered likely benign or benign based on one or more of the following criteria: it is a conservative change, it occurs at a poorly conserved position in the protein, it is predicted to be benign by multiple in silico algorithms, and/or has population frequency not consistent with disease.

PreventionGenetics, part of Exact Sciences
Classification: Likely benign for RYR1-related condition. Last evaluated: 2022-09-20. Review status: no assertion criteria provided. Collection method: clinical testing. Allele origin: germline. Not counted in ClinVar's aggregate classification.
Comment: This variant is classified as likely benign based on ACMG/AMP sequence variant interpretation guidelines (Richards et al. 2015 PMID: 25741868, with internal and published modifications).

NM_000540.3(RYR1):c.7615-20G>A

Gene: RYR1 (ryanodine receptor 1; plus strand). Cytogenetic location: 19q13.2.
Variant type: single nucleotide variant.
Coding change: c.7615-20G>A on transcript NM_000540.3 (MANE Select); 20 bases into the intron before coding-DNA position 7615, G replaced by A.
Molecular consequence: intron variant.
Genome position (GRCh38, 1-based): chr19:38,502,487, G>A. VCF-style: chr19-38502487-G-A. GRCh37 (hg19) VCF-style: chr19-38993127-G-A.
Other names: c.7615-20G>A (NM_001042723.2).
Identifiers: ClinVar variation 512855 (VCV000512855.12), dbSNP rs746763718, ClinGen allele CA069845.